The following is an entry in ClinVar:

NM_003072.5(SMARCA4):c.2287G>T (p.Glu763Ter)

Gene: SMARCA4 (SWI/SNF related, matrix associated, actin dependent regulator of chromatin, subfamily a, member 4; plus strand). Cytogenetic location: 19p13.2.
Variant type: single nucleotide variant.
Coding change: c.2287G>T on transcript NM_003072.5 (MANE Select); coding-DNA position 2287, G replaced by T.
Protein change: p.Glu763Ter; replaces glutamic acid 763 with a stop codon.
Molecular consequence: nonsense. On other transcripts: non-coding transcript variant (1).
Genome position (GRCh38, 1-based): chr19:11,012,961, G>T. VCF-style: chr19-11012961-G-T. GRCh37 (hg19) VCF-style: chr19-11123637-G-T.
Other names: c.2287G>T, p.Glu763Ter (NM_001128844.3, NM_001128845.2, NM_001128846.2 and 5 more transcripts); short protein forms E763*.
Identifiers: ClinVar variation 545992 (VCV000545992.2), dbSNP rs1555774631, ClinGen allele CA404053029.
Genomic context (GRCh38, chr19:11,012,961, plus strand): 5'-TGTCCGACCCGGCCTTCAGTCCTGGCGTGGCCGCATCTGTCCTTGCAGATCAAAGGTTTG[G>T]AGTGGCTGGTGTCCCTGTACAACAACAACCTGAACGGCATCCTGGCCGACGAGATGGGCC-3'

ClinVar aggregate classification (germline): Pathogenic (1 of 4 stars; one submission).

Submission:

GeneDx
Classification: Pathogenic. Last evaluated: 2017-04-20. Review status: criteria provided, single submitter. Criteria: GeneDx Variant Classification (06012015). Collection method: clinical testing. Allele origin: germline. Affected: yes.
Comment: This variant is denoted SMARCA4 c.2287G>T at the cDNA level and p.Glu763Ter (E763X) at the protein level. The substitution creates a nonsense variant, which changes a Glutamic Acid to a premature stop codon (GAG>TAG), and is predicted to cause loss of normal protein function through either protein truncation or nonsense-mediated mRNA decay. Although this variant has not, to our knowledge, been reported in the literature, it is considered pathogenic.